The following is an entry in ClinVar:

NM_021098.3(CACNA1H):c.2789+16C>T

Gene: CACNA1H (calcium voltage-gated channel subunit alpha1 H; plus strand). Cytogenetic location: 16p13.3.
Variant type: single nucleotide variant.
Coding change: c.2789+16C>T on transcript NM_021098.3 (MANE Select); 16 bases into the intron after coding-DNA position 2789, C replaced by T.
Molecular consequence: intron variant.
Genome position (GRCh38, 1-based): chr16:1,206,305, C>T. VCF-style: chr16-1206305-C-T. GRCh37 (hg19) VCF-style: chr16-1256305-C-T.
Other names: c.2789+16C>T (NM_001005407.2).
Identifiers: ClinVar variation 1032113 (VCV001032113.8), dbSNP rs59952053, ClinGen allele CA276659616.

ClinVar aggregate classification (germline): Conflicting classifications of pathogenicity. Review status: criteria provided, conflicting classifications (1 of 4 stars). 2 submissions from 2 submitters: Uncertain significance (1); Likely benign (1). Last evaluated 2025-11-17.

Conditions:
Hyperaldosteronism, familial, type IV (HALD4). Also called: FH IV; ALDOSTERONISM, PRIMARY, AND HYPERTENSION. Identifiers: Orphanet 642671, MedGen C4310756, MONDO:0014875, OMIM 617027.
Idiopathic generalized epilepsy. Also called: EIG; Generalised epilepsy. Identifiers: MedGen C0270850, MONDO:0005579, OMIM 600669.
Epilepsy, childhood absence, susceptibility to, 6. Identifiers: Orphanet 64280, MedGen C2749872, MONDO:0012763, OMIM 611942.

Allele frequency attached by ClinVar (database versions not stated): gnomAD exomes 0.00001; TOPMed 0.00001.
gnomAD v4.1: 7 of 1,547,212 alleles (0.00045%); highest among the groups gnomAD compares: Non-Finnish European, 0.00052%; no homozygotes.

Submissions (2):

Labcorp Genetics (formerly Invitae), Labcorp
Classification: Likely benign for Idiopathic generalized epilepsy; Hyperaldosteronism, familial, type IV. Last evaluated: 2025-11-17. Review status: criteria provided, single submitter. Criteria: Invitae Variant Classification Sherloc (09022015). Collection method: clinical testing. Allele origin: germline.

Baylor Genetics
Classification: Uncertain significance for Epilepsy, childhood absence, susceptibility to, 6. Last evaluated: 2018-02-26. Review status: criteria provided, single submitter. Criteria: ACMG Guidelines, 2015. Collection method: clinical testing. Allele origin: maternal. Affected: yes.
Comment: This variant was determined to be of uncertain significance according to ACMG Guidelines, 2015 [PMID:25741868].